The following is an entry in ClinVar:

NM_006734.4(HIVEP2):c.365_380del (p.Pro122fs)

Gene: HIVEP2 (HIVEP zinc finger 2; minus strand). Cytogenetic location: 6q24.2.
Variant type: Deletion.
Coding change: c.365_380del on transcript NM_006734.4 (MANE Select); coding-DNA positions 365 to 380, 16 bases deleted (CTCCGTGGCTTTTCCC).
Protein change: p.Pro122fs; shifts the reading frame from proline 122.
Molecular consequence: frameshift variant.
Genome position (GRCh38, 1-based): chr6:142,774,359-142,774,374, GGGAAAAGCCACGGAG deleted on the plus strand (CTCCGTGGCTTTTCCC on the coding strand, the reverse complement: HIVEP2 is on the minus strand); deleting any 16 consecutive bases within chr6:142,774,359-142,774,375 gives the same sequence; the c. name uses the placement nearest the transcript's 3' end. VCF-style (leftmost placement, unchanged base first): chr6-142774358-AGGGAAAAGCCACGGAG-A. GRCh37 (hg19) VCF-style: chr6-143095495-AGGGAAAAGCCACGGAG-A.
Other names: short protein forms P122fs.
Identifiers: ClinVar variation 2126134 (VCV002126134.4), dbSNP rs2482856946, ClinGen allele CA2580075164.
Genomic context (GRCh38, chr6:142,774,358, plus strand): 5'-ACTGTGGCCATGTATAGGAAAAGGAAATAAGTCCTCAGAGGCAACGGATGGCAAAGGGCC[AGGGAAAAGCCACGGAG>A]GACCTTCGAGGCTCTGATGTGGCTTGGTGCTGTGCATGACCCCCTGTGGCAATGAGTGCT-3'

ClinVar aggregate classification (germline): Pathogenic (1 of 4 stars; one submission).

Submission:

Labcorp Genetics (formerly Invitae), Labcorp
Classification: Pathogenic. Last evaluated: 2022-08-09. Review status: criteria provided, single submitter. Criteria: Invitae Variant Classification Sherloc (09022015). Collection method: clinical testing. Allele origin: germline.
Comment: For these reasons, this variant has been classified as Pathogenic. This variant has not been reported in the literature in individuals affected with HIVEP2-related conditions. This variant is not present in population databases (gnomAD no frequency). This sequence change creates a premature translational stop signal (p.Pro122Leufs*32) in the HIVEP2 gene. It is expected to result in an absent or disrupted protein product. Loss-of-function variants in HIVEP2 are known to be pathogenic (PMID: 27003583).

Literature cited by the submitters: PubMed 27003583.